The following is an entry in ClinVar:

NM_000089.4(COL1A2):c.353G>A (p.Gly118Asp)

Gene: COL1A2 (collagen type I alpha 2 chain; plus strand). Cytogenetic location: 7q21.3.
Variant type: single nucleotide variant.
Coding change: c.353G>A on transcript NM_000089.4 (MANE Select); coding-DNA position 353, G replaced by A.
Protein change: p.Gly118Asp; replaces glycine 118 with aspartic acid.
Molecular consequence: missense variant.
Genome position (GRCh38, 1-based): chr7:94,404,721, G>A. VCF-style: chr7-94404721-G-A. GRCh37 (hg19) VCF-style: chr7-94034033-G-A.
Other names: short protein forms G118D.
Identifiers: ClinVar variation 2136557 (VCV002136557.4), dbSNP rs72656358, ClinGen allele CA162914240.

ClinVar aggregate classification (germline): Pathogenic (1 of 4 stars; one submission).

Conditions:
Ehlers-Danlos syndrome, classic type, 1 (EDSCL1). Also called: Ehlers-Danlos Syndrome, Classic Type, COL5A1-Related; EHLERS-DANLOS SYNDROME, GRAVIS TYPE; EHLERS-DANLOS SYNDROME, SEVERE CLASSIC TYPE; Ehlers-Danlos syndrome, type 1; EDS I. Identifiers: MedGen C0268335, MONDO:0019567, OMIM 130000.
Osteogenesis imperfecta type I (OI1). Also called: OI, TYPE I; OSTEOGENESIS IMPERFECTA TARDA; OSTEOGENESIS IMPERFECTA WITH BLUE SCLERAE; Osteogenesis imperfecta type 1; Classic Non-deforming Osteogenesis Imperfecta with Blue Sclerae; Lobstein's Disease. Identifiers: Orphanet 216796, Orphanet 666, MedGen C0023931, MONDO:0008146, OMIM 166200. Disease mechanism: loss of function.

Submission:

Labcorp Genetics (formerly Invitae), Labcorp
Classification: Pathogenic for Osteogenesis imperfecta type I; Ehlers-Danlos syndrome, classic type, 1. Last evaluated: 2022-08-13. Review status: criteria provided, single submitter. Criteria: Invitae Variant Classification Sherloc (09022015). Collection method: clinical testing. Allele origin: germline.
Comment: This sequence change replaces glycine, which is neutral and non-polar, with aspartic acid, which is acidic and polar, at codon 118 of the COL1A2 protein (p.Gly118Asp). This variant is not present in population databases (gnomAD no frequency). This missense change has been observed in individual(s) with osteogenesis imperfecta (PMID: 17078022). Advanced modeling of protein sequence and biophysical properties (such as structural, functional, and spatial information, amino acid conservation, physicochemical variation, residue mobility, and thermodynamic stability) performed at Invitae indicates that this missense variant is expected to disrupt COL1A2 protein function. This variant disrupts the triple helix domain of COL1A2. Glycine residues within the Gly-Xaa-Yaa repeats of the triple helix domain are required for the structure and stability of fibrillar collagens (PMID: 7695699, 8218237, 19344236). In COL1A2, variants affecting these glycine residues are significantly enriched in individuals with disease (PMID: 9016532, 17078022) compared to the general population (ExAC). For these reasons, this variant has been classified as Pathogenic.

Literature cited by the submitters: PubMed 17078022; PubMed 7695699; PubMed 8218237; PubMed 19344236; PubMed 9016532.